The following is an entry in ClinVar:

ClinVar aggregate classification (germline): Conflicting classifications of pathogenicity. Review status: criteria provided, conflicting classifications (1 of 4 stars). 3 submissions from 3 submitters: Uncertain significance (2); Likely benign (1). Last evaluated 2023-10-11.

Conditions:
Neurodevelopmental disorder with or without anomalies of the brain, eye, or heart (NEDBEH). Identifiers: Orphanet 494344, MedGen C5567477, MONDO:0014857, OMIM 616975.

Allele frequency attached by ClinVar (database versions not stated): gnomAD 0.00001; TOPMed 0.00001; gnomAD exomes 0.00002 and 0.00003.
gnomAD v4.1: 38 of 1,438,764 alleles (0.0026%); highest among the groups gnomAD compares: East Asian, 0.005%; no homozygotes.

Submissions (3):

Labcorp Genetics (formerly Invitae), Labcorp
Classification: Likely benign. Last evaluated: 2023-10-11. Review status: criteria provided, single submitter. Criteria: Invitae Variant Classification Sherloc (09022015). Collection method: clinical testing. Allele origin: germline.

Knight Diagnostic Laboratories, Oregon Health and Sciences University
Classification: Uncertain significance for Neurodevelopmental disorder with or without anomalies of the brain, eye, or heart. Last evaluated: 2019-06-19. Review status: criteria provided, single submitter. Criteria: ACMG Guidelines, 2015. Collection method: clinical testing. Allele origin: germline. Observed: 1 variant allele.

GeneDx
Classification: Uncertain significance. Last evaluated: 2016-11-22. Review status: criteria provided, single submitter. Criteria: GeneDx Variant Classification (06012015). Collection method: clinical testing. Allele origin: germline. Affected: yes.
Comment: The S821L variant has not been publishedas a pathogenic variant, nor has it been reported as a benign variant to our knowledge. It was not observed in theExome Aggregation Consortium (ExAC) data set. The S821L variant is a non-conservative amino acid substitution,which is likely to impact secondary protein structure as these residues differ in polarity, charge, size and/or otherproperties. This substitution occurs at a position that is conserved across species. However, missense variants innearby residues have not been reported in the Human Gene Mutation Database in association with RERE-relateddisorders (Stenson et al., 2014), In silico analysis is inconsistent in its predictions as to whether or not the variant isdamaging to the protein structure/function. Therefore, based on the currently available information, it is unclearwhether this variant is a pathogenic variant or a rare benign variant.

NM_001042681.2(RERE):c.2462C>T (p.Ser821Leu)

Gene: RERE (arginine-glutamic acid dipeptide repeats; minus strand). Cytogenetic location: 1p36.23.
Variant type: single nucleotide variant.
Coding change: c.2462C>T on transcript NM_001042681.2 (MANE Select); coding-DNA position 2462, C replaced by T.
Protein change: p.Ser821Leu; replaces serine 821 with leucine.
Molecular consequence: missense variant.
Genome position (GRCh38, 1-based): chr1:8,361,045, G>A on the plus strand (C>T on the coding strand, the complement: RERE is on the minus strand). VCF-style: chr1-8361045-G-A. GRCh37 (hg19) VCF-style: chr1-8421105-G-A.
Other names: c.800C>T, p.Ser267Leu (NM_001042682.2); c.2462C>T, p.Ser821Leu (NM_012102.4); short protein forms S821L, S267L.
Identifiers: ClinVar variation 373226 (VCV000373226.5), dbSNP rs1057518295, ClinGen allele CA16042371.